The following is an entry in ClinVar:

ClinVar aggregate classification (germline): Pathogenic (1 of 4 stars; one submission).

Conditions:
Familial adenomatous polyposis 1 (FAP1). Also called: POLYPOSIS, ADENOMATOUS INTESTINAL; FAMILIAL ADENOMATOUS POLYPOSIS 1, ATTENUATED. Identifiers: MedGen C2713442, MONDO:0021056, OMIM 175100. Disease mechanism: loss of function.

Submission:

Labcorp Genetics (formerly Invitae), Labcorp
Classification: Pathogenic for Familial adenomatous polyposis 1. Last evaluated: 2019-06-15. Review status: criteria provided, single submitter. Criteria: Invitae Variant Classification Sherloc (09022015). Collection method: clinical testing. Allele origin: germline.
Comment: For these reasons, this variant has been classified as Pathogenic. Loss-of-function variants in APC are known to be pathogenic (PMID: 17963004, 20685668). This variant has been observed in individuals affected with familial adenomatous polyposis (FAP) (PMID: 14961559). This variant is not present in population databases (ExAC no frequency). This sequence change creates a premature translational stop signal (p.Cys599*) in the APC gene. It is expected to result in an absent or disrupted protein product.

Literature cited by the submitters: PubMed 17963004; PubMed 20685668; PubMed 14961559.

NM_000038.6(APC):c.1797C>A (p.Cys599Ter)

Gene: APC (APC regulator of Wnt signaling pathway; plus strand). Cytogenetic location: 5q22.2.
Variant type: single nucleotide variant.
Coding change: c.1797C>A on transcript NM_000038.6 (MANE Select); coding-DNA position 1797, C replaced by A.
Protein change: p.Cys599Ter; replaces cysteine 599 with a stop codon.
Molecular consequence: nonsense.
Genome position (GRCh38, 1-based): chr5:112,835,004, C>A. VCF-style: chr5-112835004-C-A. GRCh37 (hg19) VCF-style: chr5-112170701-C-A.
Other names: c.1713C>A, p.Cys571Ter (NM_001354899.2); c.1674C>A, p.Cys558Ter (NM_001354900.2); c.1620C>A, p.Cys540Ter (NM_001354901.2); c.1524C>A, p.Cys508Ter (NM_001354902.2); c.1797C>A, p.Cys599Ter (NM_001127510.3, NM_001354895.2); c.1743C>A, p.Cys581Ter (NM_001127511.3); c.1851C>A, p.Cys617Ter (NM_001354896.2); c.1827C>A, p.Cys609Ter (NM_001354897.2); and 5 more; short protein forms C498*, C540*, C558*, C581*, C609*, C617*, C473*, C439*.
Identifiers: ClinVar variation 937768 (VCV000937768.11), dbSNP rs1764702814, ClinGen allele CA16025250.